The following is an entry in ClinVar:

ClinVar aggregate classification (germline): Uncertain significance (1 of 4 stars; one submission).

Submission:

CeGaT Center for Human Genetics Tuebingen
Classification: Uncertain significance. Last evaluated: 2022-11-01. Review status: criteria provided, single submitter. Criteria: CeGaT Center For Human Genetics Tuebingen Variant Classification Criteria Version 2. Collection method: clinical testing. Allele origin: germline. Affected: yes. Observed: 1 variant allele.
Comment: BRCC3: PM2, BP4

NM_001018055.3(BRCC3):c.175A>G (p.Met59Val)

Gene: BRCC3 (BRCA1/BRCA2-containing complex subunit 3; plus strand). Cytogenetic location: Xq28.
Variant type: single nucleotide variant.
Coding change: c.175A>G on transcript NM_001018055.3 (MANE Select); coding-DNA position 175, A replaced by G.
Protein change: p.Met59Val; replaces methionine 59 with valine.
Molecular consequence: missense variant.
Genome position (GRCh38, 1-based): chrX:155,073,411, A>G. VCF-style: chrX-155073411-A-G. GRCh37 (hg19) VCF-style: chrX-154301686-A-G.
Other names: c.178A>G, p.Met60Val (NM_001242640.2); c.175A>G, p.Met59Val (NM_024332.4); short protein forms M59V, M60V.
Identifiers: ClinVar variation 2661873 (VCV002661873.24), dbSNP rs2524053734, ClinGen allele CA414925205.